The following is an entry in ClinVar:

ClinVar aggregate classification (germline): Pathogenic. Review status: reviewed by expert panel (3 of 4 stars). 19 submissions from 17 submitters: Pathogenic (1). 18 of the submissions do not count toward it. Last evaluated 2022-11-22.

Conditions:
Rare genetic deafness. Identifiers: Orphanet 96210, MedGen C5680250.
SLC26A4-related disorder. Also called: SLC26A4-related condition; SLC26A4-related disorders.
Congenital hypothyroidism. Identifiers: Orphanet 442, MedGen C0010308, MONDO:0018612, HP:0000851.
Autosomal recessive nonsyndromic hearing loss 4 (DFNB4). Also called: FOXI1-Related Pendred Syndrome; KCNJ10-Related Pendred Syndrome; DEAFNESS, AUTOSOMAL RECESSIVE 4, WITH ENLARGED VESTIBULAR AQUEDUCT, DIGENIC; Enlarged vestibular aqueduct, digenic; Deafness, autosomal recessive 4; Nonsyndromic enlarged vestibular aqueduct (NSEVA). Identifiers: Orphanet 90636, MedGen C3538946, MONDO:0010933, OMIM 600791.
Pendred syndrome (PDS). Also called: Pendred's syndrome; Pendred Syndrome (PDS); DEAFNESS WITH GOITER; GOITER-DEAFNESS SYNDROME; HYPOTHYROIDISM, CONGENITAL, DUE TO DYSHORMONOGENESIS, 2B; THYROID DYSHORMONOGENESIS 2B. Identifiers: Orphanet 705, MedGen C0271829, MONDO:0010134, OMIM 274600.

Allele frequency attached by ClinVar (database versions not stated): ExAC 0.00023; gnomAD exomes 0.00033 and 0.00032; 1000 Genomes Project 30x 0.00016; gnomAD 0.00020 and 0.00017; 1000 Genomes Project 0.00020; TOPMed 0.00022; ESP Exome Variant Server 0.00015.
gnomAD v4.1: 514 of 1,613,118 alleles (0.032%); highest among the groups gnomAD compares: Non-Finnish European, 0.028%; no homozygotes.

Submissions 1 to 6 of 19:

ClinGen Hearing Loss Variant Curation Expert Panel
Classification: Pathogenic for Pendred syndrome. Last evaluated: 2022-11-22. Review status: reviewed by expert panel. Criteria: Clingen Hl Acmg Specifications Cdh23 Coch Gjb2 Kcnq4 Myo6 Myo7a Slc26a4 Tecta Ush2a V2. Collection method: curation. Allele origin: germline. Inheritance: Autosomal recessive inheritance.
Comment: The c.349C>T variant in SLC26A4 is a missense variant predicted to cause substitution of leucine by phenylalanine at amino acid 117. The filtering allele frequency of the p.Leu117Phe variant is 0.005208 (54/10368 alleles) for Ashkenazi Jewish chromosomes in gnomAD v2.1.1, which is a high enough frequency to be classified as benign based on thresholds defined by the ClinGen Hearing Loss Expert Panel for autosomal recessive hearing loss variants (BA1). The ClinGen Hearing Loss Expert Panel believes that the evidence for the pathogenicity of this variant for hearing loss outweighs the high allele frequency of the variant in population databases. Therefore, the BA1 code will not contribute to the overall classification. The computational predictor REVEL gives a score of 0.982, which is above the threshold of 0.7, evidence that correlates with impact to SLC26A4 function (PP3). This variant has been detected in 8 individuals with hearing loss. For 5 of those individuals, they were compound heterozygous for the variant and a pathogenic or likely pathogenic variant and all of those were confirmed in trans by (c.1246A>C (p.Thr416Pro), c.1708G>A (p.Val570Ile), c.1522A>G (p.Thr508Ala), c.578C>T (p.Thr193Ile), 5.75 PM3 points, SCV000060146.7, SCV000282017.1). (PM3_VeryStrong). This variant has been identified in patients with EVA, which is a phenotype that was deemed to be highly specific for SLC26A4 by the ClinGen Hearing Loss Expert Panel (LMM) (PP4). The variant has been reported to segregate with hearing loss in at least 5 affected and 4 unaffected family members, across 2 Ashkenazi Jewish families with hearing loss (PP1_Strong; Karen Avraham Lab internal data SCV000282016.1, SCV000282017.1). A functional study demonstrated that this variant may not impact localization or the iodide efflux capacity (BS3_Supporting; PMID: 27771369, 11932316), however, the functional study may not assess all ion transport functions of the protein and/or ensure that the assay reflects the true biological environment and therefore the ClinGen Hearing Loss Expert Panel (HL EP) chose not to consider this evidence fully in conflict with the pathogenic evidence (BS3_Supporting). In summary, this variant meets the criteria to be classified as pathogenic for autosomal recessive Pendred syndrome based on the ACMG/AMP criteria applied, as specified by the ClinGen Hearing Loss VCEP: PM3_VS, PP1_S, PP4, PP3, BS3_P (Hearing Loss VCEP specifications version 2; 11/22/2022).

Cambridge Genomics Laboratory, East Genomic Laboratory Hub, NHS Genomic Medicine Service
Classification: Pathogenic for Congenital hypothyroidism. Last evaluated: 2026-10-26. Review status: criteria provided, single submitter. Criteria: ACGS Best Practice Guidelines for Variant Classification in Rare Disease 2020. Collection method: clinical testing. Allele origin: germline. Affected: yes. Not counted in ClinVar's aggregate classification.
Comment: PS3_Supporting,PM3_Very Strong,PP1_Strong,PP3

PreventionGenetics, part of Exact Sciences
Classification: Likely pathogenic for SLC26A4-related condition. Last evaluated: 2026-06-16. Review status: criteria provided, single submitter. Criteria: ACMG Guidelines, 2015. Collection method: clinical testing. Allele origin: germline. Not counted in ClinVar's aggregate classification.
Comment: The SLC26A4 c.349C>T variant is predicted to result in the amino acid substitution p.Leu117Phe. This variant has been reported along with a second causal variant in a patient with hearing loss (Table S3, Sloan-Heggen et al 2016. PubMed ID: 26969326) and in three patients in which a second causal variant was not identified (Reardon et al 2000. PubMed ID: 10700480; Taylor et al 2002. PubMed ID: 11932316; Albert et al 2006. PubMed ID: 16570074). This variant has also been reported in the homozygous state in four patients with hearing loss from two families, being heterozygous in four unaffected and one affected individual (Figure S1, Brownstein et al 2020. PubMed ID: 33111345). A functional study found this variant had iodide efflux levels similar to wildtype (Taylor et al 2002. PubMed ID: 11932316). This variant is reported in 0.52% of alleles in individuals of Ashkenazi Jewish descent in gnomAD. This variant is classified as likely pathogenic for autosomal recessive Pendred syndrome by the ClinGen Hearing Loss Variant Curation Expert Panel, in part based on internal data from other clinical testing laboratories (Variation ID: 43555). This variant is interpreted as likely pathogenic.

Labcorp Genetics (formerly Invitae), Labcorp
Classification: Pathogenic. Last evaluated: 2026-01-24. Review status: criteria provided, single submitter. Criteria: Invitae Variant Classification Sherloc (09022015). Collection method: clinical testing. Allele origin: germline. Not counted in ClinVar's aggregate classification.
Comment: This sequence change replaces leucine, which is neutral and non-polar, with phenylalanine, which is neutral and non-polar, at codon 117 of the SLC26A4 protein (p.Leu117Phe). This variant is present in population databases (rs145254330, gnomAD 0.5%). This missense change has been observed in individuals with profound congenital deafness (PMID: 23555729, 26969326, 33111345, 34410491). It has also been observed to segregate with disease in related individuals. ClinVar contains an entry for this variant (Variation ID: 43555). Invitae Evidence Modeling of protein sequence and biophysical properties (such as structural, functional, and spatial information, amino acid conservation, physicochemical variation, residue mobility, and thermodynamic stability) indicates that this missense variant is expected to disrupt SLC26A4 protein function with a positive predictive value of 95%. Experimental studies have shown that this missense change does not substantially affect SLC26A4 function (PMID: 11932316, 31599023, 32165640). For these reasons, this variant has been classified as Pathogenic.

Natera, Inc.
Classification: Likely pathogenic for Pendred syndrome. Last evaluated: 2025-12-15. Review status: criteria provided, single submitter. Criteria: Natera Variant Classification Schema (03/2026). Collection method: clinical testing. Allele origin: germline. Not counted in ClinVar's aggregate classification.
Comment: The c.349C>T variant in SLC26A4 is a missense variant predicted to cause substitution of leucine to phenylalanine at amino acid 117. This variant is rare in the general population with a frequency below the threshold expected for the associated phenotype(s). This variant has been observed in one or more individuals affected with the associated recessive disease, as either homozygous or compound heterozygous with a second variant (PMID: 23555729, 33111345, 34593925). Computational prediction algorithms indicate this variant is likely to affect gene or protein function. Given the available evidence, this variant is classified as Likely Pathogenic.

Dasa
Classification: Pathogenic. Last evaluated: 2025-09-18. Review status: criteria provided, single submitter. Criteria: DASA Assertion Criteria. Collection method: clinical testing. Allele origin: germline. Not counted in ClinVar's aggregate classification.
Comment: NM_000441.2(SLC26A4):c.349C>T (p.Leu117Phe) is a missense variant that results in the substitution of leucine with phenylalanine. This variant has been observed in affected individuals with related phenotype in a genotype context consistent with recessive disease (PMID: 26969326; PMID: 33111345; PMID: 37108562; PMID: 23555729; PMID: 27771369). Functional evidence supports a deleterious effect on the gene or gene product (PMID: 26969326; PMID: 33111345; PMID: 37108562; PMID: 23555729; PMID: 27771369). This variant has been recurrently observed in individuals with related phenotype (PMID: 26969326; PMID: 33111345; PMID: 37108562; PMID: 23555729; PMID: 27771369). Segregation evidence has been reported in affected families. Multiple computational predictions support a deleterious effect on the gene or gene product. The variant is present at low frequency in population datasets. Based on the available data, this variant is classified as pathogenic.

NM_000441.2(SLC26A4):c.349C>T (p.Leu117Phe)

Gene: SLC26A4 (solute carrier family 26 member 4; plus strand). Cytogenetic location: 7q22.3.
Variant type: single nucleotide variant.
Coding change: c.349C>T on transcript NM_000441.2 (MANE Select); coding-DNA position 349, C replaced by T.
Protein change: p.Leu117Phe; replaces leucine 117 with phenylalanine.
Molecular consequence: missense variant.
Genome position (GRCh38, 1-based): chr7:107,672,182, C>T. VCF-style: chr7-107672182-C-T. GRCh37 (hg19) VCF-style: chr7-107312627-C-T.
Other names: NM_000441.1(SLC26A4):c.349C>T(p.Leu117Phe); NM_000441.1(SLC26A4):c.349C>T; short protein forms L117F.
Identifiers: ClinVar variation 43555 (VCV000043555.53), dbSNP rs145254330, ClinGen allele CA132727.